The following is an entry in ClinVar:

NM_000111.3(SLC26A3):c.2007+5T>C

Gene: SLC26A3 (solute carrier family 26 member 3; minus strand). Cytogenetic location: 7q22.3.
Variant type: single nucleotide variant.
Coding change: c.2007+5T>C on transcript NM_000111.3 (MANE Select); 5 bases into the intron after coding-DNA position 2007, T replaced by C.
Molecular consequence: intron variant.
Genome position (GRCh38, 1-based): chr7:107,773,915, A>G on the plus strand (T>C on the coding strand, the complement: SLC26A3 is on the minus strand). VCF-style: chr7-107773915-A-G. GRCh37 (hg19) VCF-style: chr7-107414360-A-G.
Identifiers: ClinVar variation 1467276 (VCV001467276.3), dbSNP rs762540380, ClinGen allele CA4433643.

ClinVar aggregate classification (germline): Uncertain significance (1 of 4 stars; one submission).

Allele frequency attached by ClinVar (database versions not stated): gnomAD 0.00003 and 0.00004; gnomAD exomes 0.00003 and 0.00006; TOPMed 0.00003; ExAC 0.00010.
gnomAD v4.1: 46 of 1,604,664 alleles (0.0029%); highest among the groups gnomAD compares: Non-Finnish European, 0.0038%; no homozygotes.

Submission:

Labcorp Genetics (formerly Invitae), Labcorp
Classification: Uncertain significance. Last evaluated: 2022-02-02. Review status: criteria provided, single submitter. Criteria: Invitae Variant Classification Sherloc (09022015). Collection method: clinical testing. Allele origin: germline.
Comment: This sequence change falls in intron 17 of the SLC26A3 gene. It does not directly change the encoded amino acid sequence of the SLC26A3 protein. It affects a nucleotide within the consensus splice site. This variant is present in population databases (rs762540380, gnomAD 0.01%). This variant has not been reported in the literature in individuals affected with SLC26A3-related conditions. Variants that disrupt the consensus splice site are a relatively common cause of aberrant splicing (PMID: 17576681, 9536098). Algorithms developed to predict the effect of sequence changes on RNA splicing suggest that this variant is not likely to affect RNA splicing. In summary, the available evidence is currently insufficient to determine the role of this variant in disease. Therefore, it has been classified as a Variant of Uncertain Significance.

Literature cited by the submitters: PubMed 17576681; PubMed 9536098.